The following is an entry in ClinVar:

ClinVar aggregate classification (germline): Likely benign (1 of 4 stars; one submission).

Conditions:
ADCY3-related disorder. Also called: ADCY3-related condition.

gnomAD v4.1: 4 of 1,614,046 alleles (0.00025%); highest among the groups gnomAD compares: South Asian, 0.0044%; no homozygotes.

Submission:

PreventionGenetics, part of Exact Sciences
Classification: Likely benign for ADCY3-related condition. Last evaluated: 2025-06-13. Review status: criteria provided, single submitter. Criteria: ACMG Guidelines, 2015. Collection method: clinical testing. Allele origin: germline.
Comment: This variant is classified as likely benign based on ACMG/AMP sequence variant interpretation guidelines (Richards et al. 2015 PMID: 25741868, with internal and published modifications).

NM_004036.5(ADCY3):c.3144G>A (p.Gly1048=)

Genes: ADCY3 (adenylate cyclase 3; minus strand), CENPO (centromere protein O; plus strand). Cytogenetic location: 2p23.3.
Variant type: single nucleotide variant.
Coding change: c.3144G>A on transcript NM_004036.5 (MANE Select); coding-DNA position 3144, G replaced by A.
Protein change: p.Gly1048=; no amino-acid change (glycine 1048 retained).
Molecular consequence: synonymous variant. On other transcripts: 3 prime UTR variant (3), non-coding transcript variant (3).
Genome position (GRCh38, 1-based): chr2:24,820,832, C>T on the plus strand (G>A on the coding strand, the complement: ADCY3 is on the minus strand). VCF-style: chr2-24820832-C-T. GRCh37 (hg19) VCF-style: chr2-25043701-C-T.
Other names: c.3147G>A, p.Gly1049= (NM_001320613.2); c.3210G>A, p.Gly1070= (NM_001377128.1); c.3006G>A, p.Gly1002= (NM_001377129.1); c.2592G>A, p.Gly864= (NM_001377130.1); c.2421G>A, p.Gly807= (NM_001377131.1); c.3144G>A, p.Gly1048= (NM_001377132.1); c.*1514C>T (NM_001199803.3, NM_001322101.2, NM_024322.4).
Identifiers: ClinVar variation 4998674 (VCV004998674.1).
Genomic context (GRCh38, chr2:24,820,832, plus strand): 5'-GACTGTATTGCCCCAGATGTCGTAGTGTGGTTTCCGGGCTCCGATGACCCCAGCCAGAAC[C>T]CCGCCTTTGTTCATGCCTAGGGTAGAGGCATAAAGTTCAGCACAGCCACAGGCCACACCT-3'
Protein context (NP_004027.2, residues 1038-1058): FMLRIGMNKG[Gly1048=]VLAGVIGARK